The following is an entry in ClinVar:

ClinVar aggregate classification (germline): Uncertain significance (1 of 4 stars; one submission).

Conditions:
Autoimmune lymphoproliferative syndrome type 2A (ALPS2A). Also called: CASP10-Related Autoimmune Lymphoproliferative Syndrome; AUTOIMMUNE LYMPHOPROLIFERATIVE SYNDROME, TYPE IIA; Autoimmune lymphoproliferative syndrome type 2. Identifiers: Orphanet 3261, MedGen C1858968, MONDO:0011383, OMIM 603909.

Allele frequency attached by ClinVar (database versions not stated): gnomAD exomes below 0.00001; gnomAD 0.00001; TOPMed 0.00001.
gnomAD v4.1: 3 of 1,613,656 alleles (0.00019%); highest among the groups gnomAD compares: Non-Finnish European, 0.00025%; no homozygotes.

Submission:

Labcorp Genetics (formerly Invitae), Labcorp
Classification: Uncertain significance for Autoimmune lymphoproliferative syndrome type 2A. Last evaluated: 2023-09-30. Review status: criteria provided, single submitter. Criteria: Invitae Variant Classification Sherloc (09022015). Collection method: clinical testing. Allele origin: germline.
Comment: In summary, the available evidence is currently insufficient to determine the role of this variant in disease. Therefore, it has been classified as a Variant of Uncertain Significance. Advanced modeling of protein sequence and biophysical properties (such as structural, functional, and spatial information, amino acid conservation, physicochemical variation, residue mobility, and thermodynamic stability) performed at Invitae indicates that this missense variant is expected to disrupt CASP10 protein function. This variant has not been reported in the literature in individuals affected with CASP10-related conditions. This variant is not present in population databases (gnomAD no frequency). This sequence change replaces cysteine, which is neutral and slightly polar, with tryptophan, which is neutral and slightly polar, at codon 174 of the CASP10 protein (p.Cys174Trp).

NM_032977.4(CASP10):c.522C>G (p.Cys174Trp)

Gene: CASP10 (caspase 10; plus strand). Cytogenetic location: 2q33.1.
Variant type: single nucleotide variant.
Coding change: c.522C>G on transcript NM_032977.4 (MANE Select); coding-DNA position 522, C replaced by G.
Protein change: p.Cys174Trp; replaces cysteine 174 with tryptophan.
Molecular consequence: missense variant.
Genome position (GRCh38, 1-based): chr2:201,193,064, C>G. VCF-style: chr2-201193064-C-G. GRCh37 (hg19) VCF-style: chr2-202057787-C-G.
Other names: c.522C>G, p.Cys174Trp (NM_001206524.2, NM_001206542.2, NM_001230.5 and 3 more transcripts); short protein forms C174W.
Identifiers: ClinVar variation 2940620 (VCV002940620.3), dbSNP rs1232466545, ClinGen allele CA350278947.
Genomic context (GRCh38, chr2:201,193,064, plus strand): 5'-ATTTCTAGAGAAACAAGGTAAAATAGATGAAGATAATCTGACATGCCTGGAGGACCTCTG[C>G]AAAACAGTTGTACCTAAACTTTTGAGAAACATAGAGAAATACAAAAGAGAGAAAGGTAAG-3'
Protein context (NP_116759.2, residues 164-184): EDNLTCLEDL[Cys174Trp]KTVVPKLLRN